The following is an entry in ClinVar:

ClinVar aggregate classification (germline): Uncertain significance (1 of 4 stars; one submission).

Submission:

Labcorp Genetics (formerly Invitae), Labcorp
Classification: Uncertain significance. Last evaluated: 2023-09-12. Review status: criteria provided, single submitter. Criteria: Invitae Variant Classification Sherloc (09022015). Collection method: clinical testing. Allele origin: germline.
Comment: This sequence change replaces glutamic acid, which is acidic and polar, with aspartic acid, which is acidic and polar, at codon 116 of the SSR3 protein (p.Glu116Asp). This variant is not present in population databases (gnomAD no frequency). This variant has not been reported in the literature in individuals affected with SSR3-related conditions. An algorithm developed to predict the effect of missense changes on protein structure and function (PolyPhen-2) suggests that this variant is likely to be disruptive. In summary, the available evidence is currently insufficient to determine the role of this variant in disease. Therefore, it has been classified as a Variant of Uncertain Significance.

NM_007107.5(SSR3):c.348G>C (p.Glu116Asp)

Gene: SSR3 (signal sequence receptor subunit 3; minus strand). Cytogenetic location: 3q25.31.
Variant type: single nucleotide variant.
Coding change: c.348G>C on transcript NM_007107.5 (MANE Select); coding-DNA position 348, G replaced by C.
Protein change: p.Glu116Asp; replaces glutamic acid 116 with aspartic acid.
Molecular consequence: missense variant.
Genome position (GRCh38, 1-based): chr3:156,548,916, C>G on the plus strand (G>C on the coding strand, the complement: SSR3 is on the minus strand). VCF-style: chr3-156548916-C-G. GRCh37 (hg19) VCF-style: chr3-156266705-C-G.
Other names: c.348G>C, p.Glu116Asp (NM_001308197.2); c.192G>C, p.Glu64Asp (NM_001308204.2, NM_001308205.2); short protein forms E116D, E64D.
Identifiers: ClinVar variation 2839229 (VCV002839229.3), dbSNP rs2473428715, ClinGen allele CA355150196.